The following is an entry in ClinVar:

ClinVar aggregate classification (germline): Uncertain significance (1 of 4 stars; one submission).

Conditions:
GPD2-related disorder. Also called: GPD2-related condition.

gnomAD v4.1: 2 of 1,610,750 alleles (0.00012%); highest among the groups gnomAD compares: African/African-American, 0.0027%; no homozygotes.

Submission:

PreventionGenetics, part of Exact Sciences
Classification: Uncertain significance for GPD2-related condition. Last evaluated: 2026-01-02. Review status: criteria provided, single submitter. Criteria: ACMG Guidelines, 2015. Collection method: clinical testing. Allele origin: germline.
Comment: The GPD2 c.1339A>G variant is predicted to result in the amino acid substitution p.Thr447Ala. To our knowledge, this variant has not been reported in the literature or in a large population database (gnomAD), indicating this variant is rare. At this time, the clinical significance of this variant is uncertain due to the absence of conclusive functional and genetic evidence.

NM_000408.5(GPD2):c.1339A>G (p.Thr447Ala)

Gene: GPD2 (glycerol-3-phosphate dehydrogenase 2; plus strand). Cytogenetic location: 2q24.1.
Variant type: single nucleotide variant.
Coding change: c.1339A>G on transcript NM_000408.5 (MANE Select); coding-DNA position 1339, A replaced by G.
Protein change: p.Thr447Ala; replaces threonine 447 with alanine.
Molecular consequence: missense variant.
Genome position (GRCh38, 1-based): chr2:156,569,401, A>G. VCF-style: chr2-156569401-A-G. GRCh37 (hg19) VCF-style: chr2-157425913-A-G.
Other names: c.1339A>G, p.Thr447Ala (NM_001083112.3); short protein forms T447A.
Identifiers: ClinVar variation 4979574 (VCV004979574.1).